The following is an entry in ClinVar:

ClinVar aggregate classification (germline): Pathogenic. Review status: criteria provided, multiple submitters, no conflicts (2 of 4 stars). 4 submissions from 4 submitters: Pathogenic (4). Last evaluated 2026-01-27.

Conditions:
Progressive muscular dystrophy. Identifiers: Orphanet 206644, MedGen C4551827, MONDO:0016106.
Duchenne muscular dystrophy (DMD). Also called: Duchenne Muscular Dystrophy (DMD); MUSCULAR DYSTROPHY, PSEUDOHYPERTROPHIC PROGRESSIVE, DUCHENNE TYPE. Identifiers: Orphanet 98896, MedGen C0013264, MONDO:0010679, OMIM 310200.

Submissions (4):

Myriad Genetics, Inc.
Classification: Pathogenic for Progressive muscular dystrophy. Last evaluated: 2026-01-27. Review status: criteria provided, single submitter. Criteria: Myriad Autosomal Dominant, Autosomal Recessive and X-Linked Classification Criteria (2023). Collection method: clinical testing. Allele origin: unknown.
Comment: NM_004006.2(DMD):c.4980G>A(W1660*) is a nonsense variant classified as pathogenic in the context of dystrophinopathy (including Duchenne/Becker muscular dystrophy). W1660* has been observed in a case with relevant disease (PMID: 32553884). Relevant functional assessments of this variant are not available in the literature. W1660* has not been observed in referenced population frequency databases. In summary, NM_004006.2(DMD):c.4980G>A(W1660*) is a nonsense variant in a gene where loss of function is a known mechanism of disease, is predicted to disrupt protein function, and has been observed more frequently in cases with the relevant disease than in healthy populations. Please note: this variant was assessed in the context of healthy population screening.

Labcorp Genetics (formerly Invitae), Labcorp
Classification: Pathogenic for Duchenne muscular dystrophy. Last evaluated: 2023-07-28. Review status: criteria provided, single submitter. Criteria: Invitae Variant Classification Sherloc (09022015). Collection method: clinical testing. Allele origin: germline.
Comment: For these reasons, this variant has been classified as Pathogenic. ClinVar contains an entry for this variant (Variation ID: 803866). This premature translational stop signal has been observed in individual(s) with Becker muscular dystrophy (PMID: 27582364, 33420945). This variant is not present in population databases (gnomAD no frequency). This sequence change creates a premature translational stop signal (p.Trp1660*) in the DMD gene. It is expected to result in an absent or disrupted protein product. Loss-of-function variants in DMD are known to be pathogenic (PMID: 16770791, 25007885).

Victorian Clinical Genetics Services, Murdoch Childrens Research Institute
Classification: Pathogenic for Duchenne muscular dystrophy. Last evaluated: 2021-05-06. Review status: criteria provided, single submitter. Criteria: ACMG Guidelines, 2015. Collection method: clinical testing. Allele origin: germline. Inheritance: X-linked recessive inheritance. Affected: yes.
Comment: Based on the classification scheme VCGS_Germline_v1.3.4, this variant is classified as Pathogenic. Following criteria are met: 0102 - Loss of function is a known mechanism of disease in this gene and is associated with Becker muscular dystrophy (MIM#300376), Duchenne muscular dystrophy (MIM#310200) and dilated cardiomyopathy 3B (DCM) (MIM#302045). (I) 0109 - This gene is associated with X-linked recessive disease. This gene is primarily associated with X-linked recessive disease relating to the muscular dystrophy phenotypes, however it is also associated with X-linked dominant DCM (OMIM, PMID: 26066469). (I) 0201 - Variant is predicted to cause nonsense-mediated decay (NMD) and loss of protein (premature termination codon is located at least 54 nucleotides upstream of the final exon-exon junction). (SP) 0253 - This variant is hemizygous. (I) 0301 - Variant is absent from gnomAD (both v2 and v3). (SP) 0701 - Many other NMD predicted variants comparable to the one identified in this case have very strong previous evidence for pathogenicity. Other NMD predicted variants have been reported as pathogenic in individuals with Becker muscular dystrophy (BMD) and Duchenne muscular dystrophy (DMD) (PMID: 33420945). (SP) 0801 - This variant has strong previous evidence of pathogenicity in unrelated individuals. This variant has been reported in multiple individuals with BMD and one individual with DMD (ClinVar, PMID: 17041906, 19959795, 27582364, 32813700, 33420945). (SP) 1208 - Inheritance information for this variant is not currently available in this individual. (I) Legend: (SP) - Supporting pathogenic, (I) - Information, (SB) - Supporting benign

Mendelics
Classification: Pathogenic for Duchenne muscular dystrophy. Last evaluated: 2019-05-28. Review status: criteria provided, single submitter. Criteria: Mendelics Assertion Criteria 2017. Collection method: clinical testing. Allele origin: unknown.

Literature cited by the submitters: PubMed 32553884 (cited by Myriad Genetics, Inc.); PubMed 27582364 (cited by Labcorp Genetics (formerly Invitae), Labcorp and Victorian Clinical Genetics Services, Murdoch Childrens Research Institute); PubMed 33420945 (cited by Labcorp Genetics (formerly Invitae), Labcorp and Victorian Clinical Genetics Services, Murdoch Childrens Research Institute); PubMed 16770791 (cited by Labcorp Genetics (formerly Invitae), Labcorp); PubMed 25007885 (cited by Labcorp Genetics (formerly Invitae), Labcorp); PubMed 17041906 (cited by Victorian Clinical Genetics Services, Murdoch Childrens Research Institute); PubMed 19959795 (cited by Victorian Clinical Genetics Services, Murdoch Childrens Research Institute); PubMed 26066469 (cited by Victorian Clinical Genetics Services, Murdoch Childrens Research Institute); PubMed 32813700 (cited by Victorian Clinical Genetics Services, Murdoch Childrens Research Institute).

NM_004006.3(DMD):c.4980G>A (p.Trp1660Ter)

Gene: DMD (dystrophin; minus strand). Cytogenetic location: Xp21.1.
Variant type: single nucleotide variant.
Coding change: c.4980G>A on transcript NM_004006.3 (MANE Select); coding-DNA position 4980, G replaced by A.
Protein change: p.Trp1660Ter; replaces tryptophan 1660 with a stop codon.
Molecular consequence: nonsense.
Genome position (GRCh38, 1-based): chrX:32,365,065, C>T on the plus strand (G>A on the coding strand, the complement: DMD is on the minus strand). VCF-style: chrX-32365065-C-T. GRCh37 (hg19) VCF-style: chrX-32383182-C-T.
Other names: c.4956G>A, p.Trp1652Ter (NM_000109.4); c.4968G>A, p.Trp1656Ter (NM_004009.3); c.4611G>A, p.Trp1537Ter (NM_004010.3); c.957G>A, p.Trp319Ter (NM_004011.4); c.948G>A, p.Trp316Ter (NM_004012.4); short protein forms W1537*, W1656*, W319*, W1660*, W1652*, W316*.
Identifiers: ClinVar variation 803866 (VCV000803866.11), dbSNP rs1603631752, ClinGen allele CA412671900.
Genomic context (GRCh38, chrX:32,365,065, plus strand): 5'-AGCCTTTTCTCTTACCAACAAAAGATTTAACCACTCTTCTGCTCGGGAGGTGACAGCTAT[C>T]CAGTTACTATTCAGAAGACTGAGTTTATCTTCCACCAACGTCTCCTTCTTGCCCAAAACT-3'